The following is an entry in ClinVar:

ClinVar aggregate classification (germline): Likely benign (1 of 4 stars; one submission).

Conditions:
RBBP6-related disorder. Also called: RBBP6-related condition.

gnomAD v4.1: 22 of 1,530,008 alleles (0.0014%); highest among the groups gnomAD compares: South Asian, 0.005%; no homozygotes.

Submission:

PreventionGenetics, part of Exact Sciences
Classification: Likely benign for RBBP6-related condition. Last evaluated: 2025-03-12. Review status: criteria provided, single submitter. Criteria: ACMG Guidelines, 2015. Collection method: clinical testing. Allele origin: germline.
Comment: This variant is classified as likely benign based on ACMG/AMP sequence variant interpretation guidelines (Richards et al. 2015 PMID: 25741868, with internal and published modifications).

NM_006910.5(RBBP6):c.5343G>A (p.Glu1781=)

Gene: RBBP6 (RB binding protein 6, ubiquitin ligase; plus strand). Cytogenetic location: 16p12.1.
Variant type: single nucleotide variant.
Coding change: c.5343G>A on transcript NM_006910.5 (MANE Select); coding-DNA position 5343, G replaced by A.
Protein change: p.Glu1781=; no amino-acid change (glutamic acid 1781 retained).
Molecular consequence: synonymous variant.
Genome position (GRCh38, 1-based): chr16:24,572,409, G>A. VCF-style: chr16-24572409-G-A. GRCh37 (hg19) VCF-style: chr16-24583730-G-A.
Other names: c.5241G>A, p.Glu1747= (NM_018703.4).
Identifiers: ClinVar variation 4989930 (VCV004989930.1).